The following is an entry in ClinVar:

NM_145178.4(ATOH7):c.53C>G (p.Pro18Arg)

Genes: ATOH7 (atonal bHLH transcription factor 7; minus strand), LOC130003943 (ATAC-STARR-seq lymphoblastoid silent region 2418; plus strand). Cytogenetic location: 10q21.3.
Variant type: single nucleotide variant.
Coding change: c.53C>G on transcript NM_145178.4 (MANE Select); coding-DNA position 53, C replaced by G.
Protein change: p.Pro18Arg; replaces proline 18 with arginine.
Molecular consequence: missense variant.
Genome position (GRCh38, 1-based): chr10:68,231,625, G>C on the plus strand (C>G on the coding strand, the complement: ATOH7 is on the minus strand). VCF-style: chr10-68231625-G-C. GRCh37 (hg19) VCF-style: chr10-69991382-G-C.
Other names: short protein forms P18R.
Identifiers: ClinVar variation 2088238 (VCV002088238.4), dbSNP rs2134380823, ClinGen allele CA376837758.
Genomic context (GRCh38, chr10:68,231,625, plus strand): 5'-GCGCTCTCCAGCCGCCCGGCCCCGGCGCACGTGCCCGCGCACTCGGTGCCGCCCGCGCAC[G>C]GGGGTGCAACGCGCGCTCCCGCCGGCGGGCCGCTGGGCTTGCAGGACTTCATCCCCGGCC-3'
Protein context (NP_660161.1, residues 8-28): GPPAGARVAP[Pro18Arg]CAGGTECAGT

ClinVar aggregate classification (germline): Uncertain significance (1 of 4 stars; one submission).

Submission:

Labcorp Genetics (formerly Invitae), Labcorp
Classification: Uncertain significance. Last evaluated: 2022-01-19. Review status: criteria provided, single submitter. Criteria: Invitae Variant Classification Sherloc (09022015). Collection method: clinical testing. Allele origin: germline.
Comment: This sequence change replaces proline, which is neutral and non-polar, with arginine, which is basic and polar, at codon 18 of the ATOH7 protein (p.Pro18Arg). This variant is not present in population databases (gnomAD no frequency). This variant has not been reported in the literature in individuals affected with ATOH7-related conditions. Algorithms developed to predict the effect of missense changes on protein structure and function (SIFT, PolyPhen-2, Align-GVGD) all suggest that this variant is likely to be tolerated. In summary, the available evidence is currently insufficient to determine the role of this variant in disease. Therefore, it has been classified as a Variant of Uncertain Significance.